The following is an entry in ClinVar:

NM_020461.4(TUBGCP6):c.4643C>T (p.Thr1548Met)

Gene: TUBGCP6 (tubulin gamma complex component 6; minus strand). Cytogenetic location: 22q13.33.
Variant type: single nucleotide variant.
Coding change: c.4643C>T on transcript NM_020461.4 (MANE Select); coding-DNA position 4643, C replaced by T.
Protein change: p.Thr1548Met; replaces threonine 1548 with methionine.
Molecular consequence: missense variant.
Genome position (GRCh38, 1-based): chr22:50,218,881, G>A on the plus strand (C>T on the coding strand, the complement: TUBGCP6 is on the minus strand). VCF-style: chr22-50218881-G-A. GRCh37 (hg19) VCF-style: chr22-50657310-G-A.
Other names: short protein forms T1548M.
Identifiers: ClinVar variation 1367252 (VCV001367252.5), dbSNP rs144740402, ClinGen allele CA10307394.

ClinVar aggregate classification (germline): Uncertain significance (1 of 4 stars; one submission).

Allele frequency attached by ClinVar (database versions not stated): ESP Exome Variant Server 0.00008; TOPMed 0.00008; ExAC 0.00013; 1000 Genomes Project 30x 0.00016; gnomAD 0.00016 and 0.00017; gnomAD exomes 0.00018; 1000 Genomes Project 0.00020.

Submission:

Labcorp Genetics (formerly Invitae), Labcorp
Classification: Uncertain significance. Last evaluated: 2022-08-12. Review status: criteria provided, single submitter. Criteria: Invitae Variant Classification Sherloc (09022015). Collection method: clinical testing. Allele origin: germline.
Comment: This sequence change replaces threonine, which is neutral and polar, with methionine, which is neutral and non-polar, at codon 1548 of the TUBGCP6 protein (p.Thr1548Met). This variant is present in population databases (rs144740402, gnomAD 0.2%). This variant has not been reported in the literature in individuals affected with TUBGCP6-related conditions. ClinVar contains an entry for this variant (Variation ID: 1367252). Algorithms developed to predict the effect of missense changes on protein structure and function are either unavailable or do not agree on the potential impact of this missense change (SIFT: "Tolerated"; PolyPhen-2: "Possibly Damaging"; Align-GVGD: "Class C0"). In summary, the available evidence is currently insufficient to determine the role of this variant in disease. Therefore, it has been classified as a Variant of Uncertain Significance.